The following is an entry in ClinVar:

NM_000138.5(FBN1):c.4525T>G (p.Tyr1509Asp)

Gene: FBN1 (fibrillin 1; minus strand). Cytogenetic location: 15q21.1.
Variant type: single nucleotide variant.
Coding change: c.4525T>G on transcript NM_000138.5 (MANE Select); coding-DNA position 4525, T replaced by G.
Protein change: p.Tyr1509Asp; replaces tyrosine 1509 with aspartic acid.
Molecular consequence: missense variant.
Genome position (GRCh38, 1-based): chr15:48,468,469, A>C on the plus strand (T>G on the coding strand, the complement: FBN1 is on the minus strand). VCF-style: chr15-48468469-A-C. GRCh37 (hg19) VCF-style: chr15-48760666-A-C.
Other names: c.4525T>G, p.Tyr1509Asp (NM_001406716.1); short protein forms Y1509D.
Identifiers: ClinVar variation 2952959 (VCV002952959.3), dbSNP rs2505503180, ClinGen allele CA392353542.

ClinVar aggregate classification (germline): Likely pathogenic (1 of 4 stars; one submission).

Conditions:
Marfan syndrome (MFS). Also called: MARFAN SYNDROME, TYPE I; Marfan syndrome type 1; Marfan's syndrome; Marfan syndrome, classic; FBN1-Related Marfan Syndrome. Identifiers: Orphanet 284963, Orphanet 558, MedGen C0024796, MONDO:0007947, OMIM 154700.
Familial thoracic aortic aneurysm and aortic dissection (TAAD). Also called: Thoracic aortic aneurysms and dissections. Identifiers: Orphanet 91387, MedGen C4707243, MONDO:0019625.

Submission:

Labcorp Genetics (formerly Invitae), Labcorp
Classification: Likely pathogenic for Marfan syndrome; Familial thoracic aortic aneurysm and aortic dissection. Last evaluated: 2024-01-03. Review status: criteria provided, single submitter. Criteria: Invitae Variant Classification Sherloc (09022015). Collection method: clinical testing. Allele origin: germline.
Comment: This sequence change replaces tyrosine, which is neutral and polar, with aspartic acid, which is acidic and polar, at codon 1509 of the FBN1 protein (p.Tyr1509Asp). This variant is not present in population databases (gnomAD no frequency). This missense change has been observed in individual(s) with Marfan syndrome (Invitae). Advanced modeling of protein sequence and biophysical properties (such as structural, functional, and spatial information, amino acid conservation, physicochemical variation, residue mobility, and thermodynamic stability) performed at Invitae indicates that this missense variant is expected to disrupt FBN1 protein function with a positive predictive value of 95%. In summary, the currently available evidence indicates that the variant is pathogenic, but additional data are needed to prove that conclusively. Therefore, this variant has been classified as Likely Pathogenic.